The following is an entry in ClinVar:

NM_006796.3(AFG3L2):c.704T>C (p.Ile235Thr)

Gene: AFG3L2 (AFG3 like matrix AAA peptidase subunit 2; minus strand). Cytogenetic location: 18p11.21.
Variant type: single nucleotide variant.
Coding change: c.704T>C on transcript NM_006796.3 (MANE Select); coding-DNA position 704, T replaced by C.
Protein change: p.Ile235Thr; replaces isoleucine 235 with threonine.
Molecular consequence: missense variant.
Genome position (GRCh38, 1-based): chr18:12,359,975, A>G on the plus strand (T>C on the coding strand, the complement: AFG3L2 is on the minus strand). VCF-style: chr18-12359975-A-G. GRCh37 (hg19) VCF-style: chr18-12359974-A-G.
Other names: short protein forms I235T.
Identifiers: ClinVar variation 2273708 (VCV002273708.3), dbSNP rs1217613379, ClinGen allele CA401954071.

ClinVar aggregate classification (germline): Uncertain significance. Review status: criteria provided, multiple submitters, no conflicts (2 of 4 stars). 2 submissions from 2 submitters: Uncertain significance (2). Last evaluated 2023-03-20.

Conditions:
Inborn genetic diseases. Identifiers: MedGen C0950123, MeSH D030342.

Allele frequency attached by ClinVar (database versions not stated): gnomAD 0.00001; gnomAD exomes 0.00001; TOPMed 0.00001.
gnomAD v4.1: 6 of 1,614,024 alleles (0.00037%); highest among the groups gnomAD compares: South Asian, 0.0022%; no homozygotes.

Submissions (2):

GeneDx
Classification: Uncertain significance. Last evaluated: 2023-03-20. Review status: criteria provided, single submitter. Criteria: GeneDx Variant Classification Process June 2021. Collection method: clinical testing. Allele origin: germline. Affected: yes.
Comment: Not observed at significant frequency in large population cohorts (gnomAD); In silico analysis supports that this missense variant has a deleterious effect on protein structure/function; Has not been previously published as pathogenic or benign to our knowledge

Ambry Genetics
Classification: Uncertain significance for Inborn genetic diseases. Last evaluated: 2022-01-26. Review status: criteria provided, single submitter. Criteria: Ambry Variant Classification Scheme 2023. Collection method: clinical testing. Allele origin: germline.